The following is an entry in ClinVar:

NM_000292.3(PHKA2):c.2085C>A (p.Ser695=)

Gene: PHKA2 (phosphorylase kinase regulatory subunit alpha 2; minus strand). Cytogenetic location: Xp22.13.
Variant type: single nucleotide variant.
Coding change: c.2085C>A on transcript NM_000292.3 (MANE Select); coding-DNA position 2085, C replaced by A.
Protein change: p.Ser695=; no amino-acid change (serine 695 retained).
Molecular consequence: synonymous variant.
Genome position (GRCh38, 1-based): chrX:18,918,733, G>T on the plus strand (C>A on the coding strand, the complement: PHKA2 is on the minus strand). VCF-style: chrX-18918733-G-T. GRCh37 (hg19) VCF-style: chrX-18936851-G-T.
Identifiers: ClinVar variation 2660114 (VCV002660114.24), dbSNP rs1480105095, ClinGen allele CA515480479.

ClinVar aggregate classification (germline): Likely benign (1 of 4 stars; one submission).

Allele frequency attached by ClinVar (database versions not stated): gnomAD exomes below 0.00001.
gnomAD v4.1: 1 of 1,210,381 alleles (0.000083%); highest among the groups gnomAD compares: African/African-American, 0.0017%; no homozygotes.

Submission:

CeGaT Center for Human Genetics Tuebingen
Classification: Likely benign. Last evaluated: 2022-12-01. Review status: criteria provided, single submitter. Criteria: CeGaT Center For Human Genetics Tuebingen Variant Classification Criteria Version 2. Collection method: clinical testing. Allele origin: germline. Affected: yes. Observed: 1 variant allele.
Comment: PHKA2: PM2:Supporting, BP4, BP7